The following is an entry in ClinVar:

ClinVar aggregate classification (germline): Pathogenic. Review status: reviewed by expert panel (3 of 4 stars). 3 submissions from 3 submitters: Pathogenic (1). 2 of the submissions do not count toward it. Last evaluated 2025-03-18.

Conditions:
Mucopolysaccharidosis type 1. Also called: IDUA deficiency; MPS I; Mucopolysaccharidosis Type I. Identifiers: Orphanet 579, MedGen C0023786, MONDO:0001586.

gnomAD v4.1: 1 of 1,612,822 alleles (0.000062%); highest among the groups gnomAD compares: Non-Finnish European, 0.000085%; no homozygotes.

Submissions (3):

ClinGen Lysosomal Storage Disorder Variant Curation Expert Panel
Classification: Pathogenic for Mucopolysaccharidosis type 1. Last evaluated: 2025-03-18. Review status: reviewed by expert panel. Criteria: ClinGen LSD ACMG Specifications IDUA V1.0.0. Collection method: curation. Allele origin: germline. Inheritance: Autosomal recessive inheritance.
Comment: The NM_000203.5:c.501C>G (p.Tyr167Ter) variant is a nonsense variant predicted to cause a premature stop codon in biologically relevant exon 5 out of 14, leading to nonsense-mediated decay in the IDUA gene in which loss-of-function is an established disease mechanism (PVS1; PMID 28676128). This patient is homozygous for the variant (PMID: 27196898) (PM3_Supporting). The highest population minor allele frequency in gnomAD v4.1.0. is [8.476e-7] (1/ 1179740 alleles) in the European non-Finnish population, which is lower than the ClinGen Lysosomal Diseases VCEP’s threshold for PM2_Supporting (< 0.00025), meeting this criterion (PM2_Supporting). There is a ClinVar entry for this variant (Variation ID: 92644). In summary, this variant meets the criteria to be classified as Pathogenic for MPS I, based on the IDUA-specific ACMG/AMP criteria applied, as specified by the ClinGen Lysosomal Diseases Variant Curation Expert Panel (Specifications Version 1.0): PVS1, PP4_Moderate, PM2_Supporting, PM3_supporting. (Classification approved by the ClinGen Lysosomal Diseases Variant Curation Expert Panel on March 18, 2025)

Natera, Inc.
Classification: Pathogenic for Mucopolysaccharidosis type I. Last evaluated: 2024-05-30. Review status: criteria provided, single submitter. Criteria: Natera Variant Classification Schema (03/2026). Collection method: clinical testing. Allele origin: germline. Not counted in ClinVar's aggregate classification.
Comment: The c.501C>G variant in IDUA is a nonsense variant predicted to introduce a stop codon at amino acid 167. This variant is expected to result in nonsense mediated decay, truncation, or a dysfunctional protein product. This variant is rare in the general population with a frequency below the threshold expected for the associated phenotype(s). This variant has been observed in one or more individuals affected with the associated recessive disease, as either homozygous or compound heterozygous with a second variant (PMID: 31194252). Given the available evidence, this variant is classified as Pathogenic.

Eurofins Ntd Llc (ga)
Classification: Pathogenic. Last evaluated: 2013-04-03. Review status: criteria provided, single submitter. Criteria: EGL Classification Definitions. Collection method: clinical testing. Allele origin: germline. Observed: 2 variant alleles, 2 heterozygotes. Not counted in ClinVar's aggregate classification.

Literature cited by the submitters: PubMed 31194252 (cited by Natera, Inc.).

NM_000203.5(IDUA):c.501C>G (p.Tyr167Ter)

Gene: IDUA (alpha-L-iduronidase; plus strand). Cytogenetic location: 4p16.3.
Variant type: single nucleotide variant.
Coding change: c.501C>G on transcript NM_000203.5 (MANE Select); coding-DNA position 501, C replaced by G.
Protein change: p.Tyr167Ter; replaces tyrosine 167 with a stop codon.
Molecular consequence: nonsense. On other transcripts: non-coding transcript variant (1).
Genome position (GRCh38, 1-based): chr4:1,001,475, C>G. VCF-style: chr4-1001475-C-G. GRCh37 (hg19) VCF-style: chr4-995263-C-G.
Other names: NM_000203.5(IDUA):c.501C>G; p.Tyr167Ter; c.501C>G (NM_000203.4); c.105C>G, p.Tyr35Ter (NM_001363576.1); short protein forms Y167*, Y35*.
Identifiers: ClinVar variation 92644 (VCV000092644.9), dbSNP rs200726100, ClinGen allele CA220511.